The following is an entry in ClinVar:

NM_001105206.3(LAMA4):c.1252G>A (p.Glu418Lys)

Gene: LAMA4 (laminin subunit alpha 4; minus strand). Cytogenetic location: 6q21.
Variant type: single nucleotide variant.
Coding change: c.1252G>A on transcript NM_001105206.3 (MANE Select); coding-DNA position 1252, G replaced by A.
Protein change: p.Glu418Lys; replaces glutamic acid 418 with lysine.
Molecular consequence: missense variant.
Genome position (GRCh38, 1-based): chr6:112,175,418, C>T on the plus strand (G>A on the coding strand, the complement: LAMA4 is on the minus strand). VCF-style: chr6-112175418-C-T. GRCh37 (hg19) VCF-style: chr6-112496620-C-T.
Other names: c.1231G>A, p.Glu411Lys (NM_001105207.3, NM_002290.5); short protein forms E411K, E418K.
Identifiers: ClinVar variation 935718 (VCV000935718.12), dbSNP rs1159049821, ClinGen allele CA365371995.

ClinVar aggregate classification (germline): Uncertain significance. Review status: criteria provided, multiple submitters, no conflicts (2 of 4 stars). 2 submissions from 2 submitters: Uncertain significance (2). Last evaluated 2025-05-17.

Conditions:
Cardiovascular phenotype. Identifiers: MedGen CN230736.
Dilated cardiomyopathy 1JJ (CMD1JJ). Identifiers: Orphanet 154, MedGen C3808935, MONDO:0014095, OMIM 615235.

Allele frequency attached by ClinVar (database versions not stated): gnomAD exomes below 0.00001; TOPMed below 0.00001; gnomAD 0.00001.
gnomAD v4.1: 3 of 1,614,026 alleles (0.00019%); highest among the groups gnomAD compares: Non-Finnish European, 0.00025%; no homozygotes.

Submissions (2):

Ambry Genetics
Classification: Uncertain significance for Cardiovascular phenotype. Last evaluated: 2025-05-17. Review status: criteria provided, single submitter. Criteria: Ambry Variant Classification Scheme 2023. Collection method: clinical testing. Allele origin: germline.
Comment: The p.E411K variant (also known as c.1231G>A), located in coding exon 10 of the LAMA4 gene, results from a G to A substitution at nucleotide position 1231. The glutamic acid at codon 411 is replaced by lysine, an amino acid with similar properties. This amino acid position is conserved. In addition, this alteration is predicted to be tolerated by in silico analysis. Since supporting evidence is limited at this time, the clinical significance of this alteration remains unclear.

Labcorp Genetics (formerly Invitae), Labcorp
Classification: Uncertain significance for Dilated cardiomyopathy 1JJ. Last evaluated: 2019-06-24. Review status: criteria provided, single submitter. Criteria: Invitae Variant Classification Sherloc (09022015). Collection method: clinical testing. Allele origin: germline.
Comment: In summary, the available evidence is currently insufficient to determine the role of this variant in disease. Therefore, it has been classified as a Variant of Uncertain Significance. This sequence change replaces glutamic acid with lysine at codon 411 of the LAMA4 protein (p.Glu411Lys). The glutamic acid residue is moderately conserved and there is a small physicochemical difference between glutamic acid and lysine. This variant is not present in population databases (ExAC no frequency). This variant has not been reported in the literature in individuals with LAMA4-related conditions. Algorithms developed to predict the effect of missense changes on protein structure and function (SIFT, PolyPhen-2, Align-GVGD) all suggest that this variant is likely to be tolerated, but these predictions have not been confirmed by published functional studies and their clinical significance is uncertain.